The following is an entry in ClinVar:

NM_000051.4(ATM):c.4776+192T>G

Gene: ATM (ATM serine/threonine kinase; plus strand). Cytogenetic location: 11q22.3.
Variant type: single nucleotide variant.
Coding change: c.4776+192T>G on transcript NM_000051.4 (MANE Select); 192 bases into the intron after coding-DNA position 4776, T replaced by G.
Molecular consequence: intron variant.
Genome position (GRCh38, 1-based): chr11:108,293,669, T>G. VCF-style: chr11-108293669-T-G. GRCh37 (hg19) VCF-style: chr11-108164396-T-G.
Other names: c.4776+192T>G (NM_001351834.2).
Identifiers: ClinVar variation 4281286 (VCV004281286.7).

ClinVar aggregate classification (germline): Likely benign (1 of 4 stars; one submission).

gnomAD v4.1: 679 of 151,976 alleles (0.45%); highest among the groups gnomAD compares: Middle Eastern, 1%; 4 homozygotes.

Submission:

CeGaT Center for Human Genetics Tuebingen
Classification: Likely benign. Last evaluated: 2026-04-01. Review status: criteria provided, single submitter. Criteria: CeGaT Center For Human Genetics Tuebingen Variant Classification Criteria Version 2. Collection method: clinical testing. Allele origin: germline. Affected: yes. Observed: 13 variant alleles.
Comment: ATM: BP4